The following is an entry in ClinVar:

NM_004064.5(CDKN1B):c.367G>A (p.Ala123Thr)

Gene: CDKN1B (cyclin dependent kinase inhibitor 1B; plus strand). Cytogenetic location: 12p13.1.
Variant type: single nucleotide variant.
Coding change: c.367G>A on transcript NM_004064.5 (MANE Select); coding-DNA position 367, G replaced by A.
Protein change: p.Ala123Thr; replaces alanine 123 with threonine.
Molecular consequence: missense variant.
Genome position (GRCh38, 1-based): chr12:12,718,206, G>A. VCF-style: chr12-12718206-G-A. GRCh37 (hg19) VCF-style: chr12-12871140-G-A.
Other names: short protein forms A123T.
Identifiers: ClinVar variation 842335 (VCV000842335.11), dbSNP rs1946496773, ClinGen allele CA383970443.
Genomic context (GRCh38, chr12:12,718,206, plus strand): 5'-GCGCAGGAGAGCCAGGATGTCAGCGGGAGCCGCCCGGCGGCGCCTTTAATTGGGGCTCCG[G>A]CTAACTCTGAGGACACGCATTTGGTGGACCCAAAGACTGATCCGTCGGACAGCCAGACGG-3'
Protein context (NP_004055.1, residues 113-133): RPAAPLIGAP[Ala123Thr]NSEDTHLVDP

ClinVar aggregate classification (germline): Conflicting classifications of pathogenicity. Review status: criteria provided, conflicting classifications (1 of 4 stars). 2 submissions from 2 submitters: Uncertain significance (1); Benign (1). Last evaluated 2022-01-01.

Conditions:
Ovarian cancer. Also called: OVARIAN CANCER, SOMATIC. Identifiers: Orphanet 213500, MedGen C1140680, MONDO:0008170, OMIM 167000.
Multiple endocrine neoplasia type 4. Also called: MULTIPLE ENDOCRINE NEOPLASIA, TYPE IV. Identifiers: Orphanet 276152, MedGen C1970712, MONDO:0012552, OMIM 610755.

Submissions (2):

Laboratory of Molecular Epidemiology of Birth Defects, West China Second University Hospital, Sichuan University
Classification: Benign for Ovarian cancer. Last evaluated: 2022-01-01. Review status: criteria provided, single submitter. Criteria: ACMG Guidelines, 2015. Collection method: clinical testing. Allele origin: germline. Affected: yes.

Labcorp Genetics (formerly Invitae), Labcorp
Classification: Uncertain significance for Multiple endocrine neoplasia type 4. Last evaluated: 2021-05-27. Review status: criteria provided, single submitter. Criteria: Invitae Variant Classification Sherloc (09022015). Collection method: clinical testing. Allele origin: germline.
Comment: This sequence change replaces alanine with threonine at codon 123 of the CDKN1B protein (p.Ala123Thr). The alanine residue is highly conserved and there is a small physicochemical difference between alanine and threonine. This variant is not present in population databases (ExAC no frequency). This variant has not been reported in the literature in individuals with CDKN1B-related conditions. Algorithms developed to predict the effect of missense changes on protein structure and function are either unavailable or do not agree on the potential impact of this missense change (SIFT: "Deleterious"; PolyPhen-2: "Benign"; Align-GVGD: "Class C0"). In summary, the available evidence is currently insufficient to determine the role of this variant in disease. Therefore, it has been classified as a Variant of Uncertain Significance.